The following is an entry in ClinVar:

NM_024782.3(NHEJ1):c.67C>T (p.Leu23Phe)

Gene: NHEJ1 (non-homologous end joining factor 1; minus strand). Cytogenetic location: 2q35.
Variant type: single nucleotide variant.
Coding change: c.67C>T on transcript NM_024782.3 (MANE Select); coding-DNA position 67, C replaced by T.
Protein change: p.Leu23Phe; replaces leucine 23 with phenylalanine.
Molecular consequence: missense variant. On other transcripts: non-coding transcript variant (1).
Genome position (GRCh38, 1-based): chr2:219,158,296, G>A on the plus strand (C>T on the coding strand, the complement: NHEJ1 is on the minus strand). VCF-style: chr2-219158296-G-A. GRCh37 (hg19) VCF-style: chr2-220023018-G-A.
Other names: c.67C>T, p.Leu23Phe (NM_001377498.1, NM_001377499.1); short protein forms L23F.
Identifiers: ClinVar variation 1999402 (VCV001999402.4), dbSNP rs1443096443, ClinGen allele CA350634616.

ClinVar aggregate classification (germline): Uncertain significance (1 of 4 stars; one submission).

Conditions:
Cernunnos-XLF deficiency (IMD124). Also called: Severe combined immunodeficiency with sensitivity to ionizing radiation due to NHEJ1 deficiency; SCID, autosomal recessive, T cell-negative, B cell-negative, NK cell-positive, and sensitivity to ionizing radiation due to NHEJ1 deficiency; IMMUNODEFICIENCY 124, SEVERE COMBINED; NHEJ1 SYNDROME; SCID, AUTOSOMAL RECESSIVE, T CELL-NEGATIVE, B CELL-NEGATIVE, NK CELL-POSITIVE, WITH MICROCEPHALY, GROWTH RETARDATION, AND SENSITIVITY TO IONIZING RADIATION. Identifiers: Orphanet 169079, MedGen C1969799, MONDO:0012650, OMIM 611291.

Allele frequency attached by ClinVar (database versions not stated): gnomAD exomes below 0.00001.
gnomAD v4.1: 3 of 1,614,202 alleles (0.00019%); highest among the groups gnomAD compares: East Asian, 0.0045%; no homozygotes.

Submission:

Labcorp Genetics (formerly Invitae), Labcorp
Classification: Uncertain significance for Cernunnos-XLF deficiency. Last evaluated: 2023-12-11. Review status: criteria provided, single submitter. Criteria: Invitae Variant Classification Sherloc (09022015). Collection method: clinical testing. Allele origin: germline.
Comment: This sequence change replaces leucine, which is neutral and non-polar, with phenylalanine, which is neutral and non-polar, at codon 23 of the NHEJ1 protein (p.Leu23Phe). This variant is present in population databases (no rsID available, gnomAD 0.006%). This variant has not been reported in the literature in individuals affected with NHEJ1-related conditions. ClinVar contains an entry for this variant (Variation ID: 1999402). Advanced modeling of protein sequence and biophysical properties (such as structural, functional, and spatial information, amino acid conservation, physicochemical variation, residue mobility, and thermodynamic stability) performed at Invitae indicates that this missense variant is not expected to disrupt NHEJ1 protein function with a negative predictive value of 80%. In summary, the available evidence is currently insufficient to determine the role of this variant in disease. Therefore, it has been classified as a Variant of Uncertain Significance.